The following is an entry in ClinVar:

NM_004260.4(RECQL4):c.1798G>A (p.Ala600Thr)

Gene: RECQL4 (RecQ like helicase 4; minus strand). Cytogenetic location: 8q24.3.
Variant type: single nucleotide variant.
Coding change: c.1798G>A on transcript NM_004260.4 (MANE Select); coding-DNA position 1798, G replaced by A.
Protein change: p.Ala600Thr; replaces alanine 600 with threonine.
Molecular consequence: missense variant. On other transcripts: non-coding transcript variant (3), intron variant (3).
Genome position (GRCh38, 1-based): chr8:144,514,269, C>T on the plus strand (G>A on the coding strand, the complement: RECQL4 is on the minus strand). VCF-style: chr8-144514269-C-T. GRCh37 (hg19) VCF-style: chr8-145739653-C-T.
Other names: c.1702G>A, p.Ala568Thr (NM_001413017.1, NM_001413020.1); c.1798G>A, p.Ala600Thr (NM_001413018.1, NM_001413019.1, NM_001413036.1); c.727G>A, p.Ala243Thr (NM_001413040.1, NM_001413021.1, NM_001413022.1 and 6 more transcripts); c.661G>A, p.Ala221Thr (NM_001413041.1, NM_001413027.1, NM_001413030.1 and 1 more transcripts); c.697G>A, p.Ala233Thr (NM_001413042.1); c.331G>A, p.Ala111Thr (NM_001413043.1); c.1705-39G>A (NM_001413033.1); c.568-39G>A (NM_001413031.1); and 4 more; short protein forms A243T, A221T, A233T, A568T, A600T, A111T, A557T, A590T.
Identifiers: ClinVar variation 2820832 (VCV002820832.3), dbSNP rs2130695485, ClinGen allele CA372680905.
Genomic context (GRCh38, chr8:144,514,269, plus strand): 5'-AGGGCCGGAAGTTGTGGGACCACTGGGAGAGGCAGTGGGCCTCATCAATGCAGGCAAAAG[C>T]AACTGGAGGCAGCTGTGCGGCTGGAGGGAGGCCTCCCGCCCCCACCAGTGCCTCAGGTGT-3'
Protein context (NP_004251.4, residues 590-610): LPPAAQLPPV[Ala600Thr]FACIDEAHCL

ClinVar aggregate classification (germline): Uncertain significance (1 of 4 stars; one submission).

Conditions:
Baller-Gerold syndrome (BGS). Also called: CRANIOSYNOSTOSIS WITH RADIAL DEFECTS. Identifiers: Orphanet 1225, MedGen C0265308, MONDO:0009039, OMIM 218600.

Submission:

Labcorp Genetics (formerly Invitae), Labcorp
Classification: Uncertain significance for Baller-Gerold syndrome. Last evaluated: 2022-12-14. Review status: criteria provided, single submitter. Criteria: Invitae Variant Classification Sherloc (09022015). Collection method: clinical testing. Allele origin: germline.
Comment: This variant has not been reported in the literature in individuals affected with RECQL4-related conditions. This variant is not present in population databases (gnomAD no frequency). This sequence change replaces alanine, which is neutral and non-polar, with threonine, which is neutral and polar, at codon 600 of the RECQL4 protein (p.Ala600Thr). Advanced modeling of protein sequence and biophysical properties (such as structural, functional, and spatial information, amino acid conservation, physicochemical variation, residue mobility, and thermodynamic stability) performed at Invitae indicates that this missense variant is expected to disrupt RECQL4 protein function. In summary, the available evidence is currently insufficient to determine the role of this variant in disease. Therefore, it has been classified as a Variant of Uncertain Significance.